The following is an entry in ClinVar:

NM_001167.4(XIAP):c.53A>G (p.Asn18Ser)

Gene: XIAP (X-linked inhibitor of apoptosis; plus strand). Cytogenetic location: Xq25.
Variant type: single nucleotide variant.
Coding change: c.53A>G on transcript NM_001167.4 (MANE Select); coding-DNA position 53, A replaced by G.
Protein change: p.Asn18Ser; replaces asparagine 18 with serine.
Molecular consequence: missense variant.
Genome position (GRCh38, 1-based): chrX:123,885,715, A>G. VCF-style: chrX-123885715-A-G. GRCh37 (hg19) VCF-style: chrX-123019565-A-G.
Other names: c.53A>G, p.Asn18Ser (NM_001204401.2, NM_001378590.1, NM_001378591.1 and 1 more transcripts); short protein forms N18S.
Identifiers: ClinVar variation 4739432 (VCV004739432.1).

ClinVar aggregate classification (germline): Uncertain significance (1 of 4 stars; one submission).

Conditions:
X-linked lymphoproliferative disease due to XIAP deficiency. Also called: XIAP-Related Lymphoproliferative Disease, X-Linked; XIAP DEFICIENCY. Identifiers: Orphanet 2442, Orphanet 538934, MedGen C1845076, MONDO:0010385, OMIM 300635.

gnomAD v4.1: 1 of 1,211,148 alleles (0.000083%); highest among the groups gnomAD compares: Non-Finnish European, 0.00011%; no homozygotes.

Submission:

Labcorp Genetics (formerly Invitae), Labcorp
Classification: Uncertain significance for X-linked lymphoproliferative disease due to XIAP deficiency. Last evaluated: 2025-03-10. Review status: criteria provided, single submitter. Criteria: Invitae Variant Classification Sherloc (09022015). Collection method: clinical testing. Allele origin: germline.
Comment: This sequence change replaces asparagine, which is neutral and polar, with serine, which is neutral and polar, at codon 18 of the XIAP protein (p.Asn18Ser). This variant is not present in population databases (gnomAD no frequency). This variant has not been reported in the literature in individuals affected with XIAP-related conditions. Invitae Evidence Modeling of protein sequence and biophysical properties (such as structural, functional, and spatial information, amino acid conservation, physicochemical variation, residue mobility, and thermodynamic stability) indicates that this missense variant is not expected to disrupt XIAP protein function with a negative predictive value of 80%. Algorithms developed to predict the effect of sequence changes on RNA splicing suggest that this variant may create or strengthen a splice site. In summary, the available evidence is currently insufficient to determine the role of this variant in disease. Therefore, it has been classified as a Variant of Uncertain Significance.